The following is an entry in ClinVar:

NM_000536.4(RAG2):c.908A>G (p.Glu303Gly)

Gene: RAG2 (recombination activating 2; minus strand). Cytogenetic location: 11p12.
Variant type: single nucleotide variant.
Coding change: c.908A>G on transcript NM_000536.4 (MANE Select); coding-DNA position 908, A replaced by G.
Protein change: p.Glu303Gly; replaces glutamic acid 303 with glycine.
Molecular consequence: missense variant.
Genome position (GRCh38, 1-based): chr11:36,593,261, T>C on the plus strand (A>G on the coding strand, the complement: RAG2 is on the minus strand). VCF-style: chr11-36593261-T-C. GRCh37 (hg19) VCF-style: chr11-36614811-T-C.
Other names: c.908A>G, p.Glu303Gly (NM_001243785.2, NM_001243786.2); short protein forms E303G.
Identifiers: ClinVar variation 573955 (VCV000573955.11), dbSNP rs757524729, ClinGen allele CA5950505.

ClinVar aggregate classification (germline): Uncertain significance. Review status: criteria provided, multiple submitters, no conflicts (2 of 4 stars). 5 submissions from 5 submitters: Uncertain significance (4). 1 of the submissions does not count toward it. Last evaluated 2025-11-13.

Conditions:
Recombinase activating gene 2 deficiency. Also called: RAG2 deficiency. Identifiers: MedGen CN257931, MONDO:0000573.
Inborn genetic diseases. Identifiers: MedGen C0950123, MeSH D030342.
Combined immunodeficiency with skin granulomas. Identifiers: Orphanet 157949, MedGen C2673536, MONDO:0009306, OMIM 233650.
Severe combined immunodeficiency, autosomal recessive, T cell-negative, B cell-negative, NK cell-positive. Also called: SCID, T CELL-NEGATIVE, B CELL-NEGATIVE, NK CELL-POSITIVE; Severe combined immunodeficiency due to complete RAG1/2 deficiency; SCID, AR, T-cell negative, B-cell negative, NK cell-positive. Identifiers: Orphanet 331206, MedGen C1832322, MONDO:0011086, OMIM 601457.
Histiocytic medullary reticulosis. Also called: SEVERE COMBINED IMMUNODEFICIENCY WITH HYPEREOSINOPHILIA; Omenn syndrome. Identifiers: Orphanet 39041, MedGen C2700553, MONDO:0011338, OMIM 603554.

Allele frequency attached by ClinVar (database versions not stated): gnomAD exomes below 0.00001 and 0.00001; ExAC 0.00001; gnomAD 0.00002; TOPMed 0.00003.
gnomAD v4.1: 7 of 1,614,074 alleles (0.00043%); highest among the groups gnomAD compares: African/African-American, 0.0013%; no homozygotes.

Submissions (5):

Myriad Genetics, Inc.
Classification: Uncertain significance for Recombinase activating gene 2 deficiency. Last evaluated: 2025-11-13. Review status: criteria provided, single submitter. Criteria: Myriad Autosomal Dominant, Autosomal Recessive and X-Linked Classification Criteria (2023). Collection method: clinical testing. Allele origin: unknown.
Comment: NM_001243785.1(RAG2):c.908A>G(E303G) is a missense variant classified as a variant of uncertain significance in the context of severe combined immunodeficiency, RAG2-related. E303G has not been observed in cases with relevant disease. Relevant functional assessments of this variant are not available in the literature. E303G has been observed in referenced population frequency databases. In summary, there is insufficient evidence to classify NM_001243785.1(RAG2):c.908A>G(E303G) as pathogenic or benign. Please note: this variant was assessed in the context of healthy population screening.

Ambry Genetics
Classification: Uncertain significance for Inborn genetic diseases. Last evaluated: 2024-12-25. Review status: criteria provided, single submitter. Criteria: Ambry Variant Classification Scheme 2023. Collection method: clinical testing. Allele origin: germline.

Blueprint Genetics
Classification: Uncertain significance. Last evaluated: 2022-12-01. Review status: criteria provided, single submitter. Criteria: ACMG Guidelines, 2015. Collection method: clinical testing. Allele origin: germline.

Labcorp Genetics (formerly Invitae), Labcorp
Classification: Uncertain significance for Combined immunodeficiency with skin granulomas; Severe combined immunodeficiency, autosomal recessive, T cell-negative, B cell-negative, NK cell-positive. Last evaluated: 2022-08-09. Review status: criteria provided, single submitter. Criteria: Invitae Variant Classification Sherloc (09022015). Collection method: clinical testing. Allele origin: germline.
Comment: This sequence change replaces glutamic acid, which is acidic and polar, with glycine, which is neutral and non-polar, at codon 303 of the RAG2 protein (p.Glu303Gly). This variant is present in population databases (rs757524729, gnomAD 0.0009%). This variant has not been reported in the literature in individuals affected with RAG2-related conditions. ClinVar contains an entry for this variant (Variation ID: 573955). Advanced modeling of protein sequence and biophysical properties (such as structural, functional, and spatial information, amino acid conservation, physicochemical variation, residue mobility, and thermodynamic stability) performed at Invitae indicates that this missense variant is expected to disrupt RAG2 protein function. In summary, the available evidence is currently insufficient to determine the role of this variant in disease. Therefore, it has been classified as a Variant of Uncertain Significance.

Natera, Inc.
Classification: Uncertain significance for Omenn syndrome. Last evaluated: 2020-10-22. Review status: no assertion criteria provided. Collection method: clinical testing. Allele origin: germline. Not counted in ClinVar's aggregate classification.